The following is an entry in ClinVar:

ClinVar aggregate classification (germline): Uncertain significance. Review status: criteria provided, multiple submitters, no conflicts (2 of 4 stars). 2 submissions from 2 submitters: Uncertain significance (2). Last evaluated 2025-08-08.

Conditions:
Inborn genetic diseases. Identifiers: MedGen C0950123, MeSH D030342.

Allele frequency attached by ClinVar (database versions not stated): gnomAD exomes below 0.00001; TOPMed 0.00001; gnomAD 0.00002.
gnomAD v4.1: 4 of 1,607,620 alleles (0.00025%); highest among the groups gnomAD compares: African/African-American, 0.0053%; no homozygotes.

Submissions (2):

Ambry Genetics
Classification: Uncertain significance for Inborn genetic diseases. Last evaluated: 2025-08-08. Review status: criteria provided, single submitter. Criteria: Ambry Variant Classification Scheme 2023. Collection method: clinical testing. Allele origin: germline.

Labcorp Genetics (formerly Invitae), Labcorp
Classification: Uncertain significance. Last evaluated: 2021-12-02. Review status: criteria provided, single submitter. Criteria: Invitae Variant Classification Sherloc (09022015). Collection method: clinical testing. Allele origin: germline.
Comment: This sequence change replaces histidine, which is basic and polar, with tyrosine, which is neutral and polar, at codon 568 of the GRM6 protein (p.His568Tyr). This variant is present in population databases (no rsID available, gnomAD 0.004%). This variant has not been reported in the literature in individuals affected with GRM6-related conditions. Advanced modeling of protein sequence and biophysical properties (such as structural, functional, and spatial information, amino acid conservation, physicochemical variation, residue mobility, and thermodynamic stability) performed at Invitae indicates that this missense variant is not expected to disrupt GRM6 protein function. In summary, the available evidence is currently insufficient to determine the role of this variant in disease. Therefore, it has been classified as a Variant of Uncertain Significance.

NM_000843.4(GRM6):c.1702C>T (p.His568Tyr)

Genes: GRM6 (glutamate metabotropic receptor 6; minus strand), ZNF454 (zinc finger protein 454; plus strand). Cytogenetic location: 5q35.3.
Variant type: single nucleotide variant.
Coding change: c.1702C>T on transcript NM_000843.4 (MANE Select); coding-DNA position 1702, C replaced by T.
Protein change: p.His568Tyr; replaces histidine 568 with tyrosine.
Molecular consequence: missense variant.
Genome position (GRCh38, 1-based): chr5:178,986,552, G>A on the plus strand (C>T on the coding strand, the complement: GRM6 is on the minus strand). VCF-style: chr5-178986552-G-A. GRCh37 (hg19) VCF-style: chr5-178413553-G-A.
Other names: c.1702C>T (NM_000843.3); short protein forms H568Y.
Identifiers: ClinVar variation 1346901 (VCV001346901.4), dbSNP rs1274739677, ClinGen allele CA362427516.
Genomic context (GRCh38, chr5:178,986,552, plus strand): 5'-GGGCTGCCCAGGGGGAGGACCAGCTCAGGCGCACCACAGGTGTGGGGCGGCAGCCCGTGT[G>A]GTTGGGCGTGGGCCTCATGTCCCCAGGACAGGCCTCGCATGTGAACTCGTCCACCTGGAA-3'
Protein context (NP_000834.2, residues 558-578): CPGDMRPTPN[His568Tyr]TGCRPTPVVR